The following is an entry in ClinVar:

ClinVar aggregate classification (germline): Uncertain significance (1 of 4 stars; one submission).

Conditions:
Hypertrophic cardiomyopathy 14. Identifiers: MedGen C2750467, MONDO:0013197, OMIM 613251.

Submission:

Labcorp Genetics (formerly Invitae), Labcorp
Classification: Uncertain significance for Hypertrophic cardiomyopathy 14. Last evaluated: 2025-09-25. Review status: criteria provided, single submitter. Criteria: Invitae Variant Classification Sherloc (09022015). Collection method: clinical testing. Allele origin: germline.
Comment: This sequence change replaces lysine, which is basic and polar, with threonine, which is neutral and polar, at codon 58 of the MYH6 protein (p.Lys58Thr). This variant is not present in population databases (gnomAD no frequency). This variant has not been reported in the literature in individuals affected with MYH6-related conditions. Invitae Evidence Modeling of protein sequence and biophysical properties (such as structural, functional, and spatial information, amino acid conservation, physicochemical variation, residue mobility, and thermodynamic stability) indicates that this missense variant is not expected to disrupt MYH6 protein function with a negative predictive value of 80%. In summary, the available evidence is currently insufficient to determine the role of this variant in disease. Therefore, it has been classified as a Variant of Uncertain Significance.

NM_002471.4(MYH6):c.173A>C (p.Lys58Thr)

Genes: MYH6 (myosin heavy chain 6; minus strand), LOC114827851 (VISTA enhancer hs2155; plus strand). Cytogenetic location: 14q11.2.
Variant type: single nucleotide variant.
Coding change: c.173A>C on transcript NM_002471.4 (MANE Select); coding-DNA position 173, A replaced by C.
Protein change: p.Lys58Thr; replaces lysine 58 with threonine.
Molecular consequence: missense variant.
Genome position (GRCh38, 1-based): chr14:23,407,051, T>G on the plus strand (A>C on the coding strand, the complement: MYH6 is on the minus strand). VCF-style: chr14-23407051-T-G. GRCh37 (hg19) VCF-style: chr14-23876260-T-G.
Other names: short protein forms K58T.
Identifiers: ClinVar variation 4740701 (VCV004740701.1).